The following is an entry in ClinVar:

NM_001384125.1(BLTP1):c.5633T>C (p.Val1878Ala)

Gene: BLTP1 (bridge-like lipid transfer protein family member 1; plus strand). Cytogenetic location: 4q27.
Variant type: single nucleotide variant.
Coding change: c.5633T>C on transcript NM_001384125.1 (MANE Select); coding-DNA position 5633, T replaced by C.
Protein change: p.Val1878Ala; replaces valine 1878 with alanine.
Molecular consequence: missense variant.
Genome position (GRCh38, 1-based): chr4:122,249,605, T>C. VCF-style: chr4-122249605-T-C. GRCh37 (hg19) VCF-style: chr4-123170760-T-C.
Other names: c.5633T>C, p.Val1878Ala (NM_015312.4); short protein forms V1878A.
Identifiers: ClinVar variation 3355657 (VCV003355657.1).
Genomic context (GRCh38, chr4:122,249,605, plus strand): 5'-TTGAAGAGTTGGATGAATTTACTTTTGTGGATGAAACTGATCAGCAAGCTGTTCCAGATG[T>C]AACTCGAATAGGTCCCAGCCAAGAAAAATGGGGATGGATAATGTTTGAATGTGGACTTGA-3'
Protein context (NP_001371054.1, residues 1868-1888): DETDQQAVPD[Val1878Ala]TRIGPSQEKW

ClinVar aggregate classification (germline): Uncertain significance (0 of 4 stars; one submission).

Conditions:
BLTP1-related disorder. Also called: BLTP1-related condition.

Submission:

PreventionGenetics, part of Exact Sciences
Classification: Uncertain significance for BLTP1-related condition. Last evaluated: 2024-03-31. Review status: no assertion criteria provided. Collection method: clinical testing. Allele origin: germline.
Comment: The BLTP1 c.5633T>C variant is predicted to result in the amino acid substitution p.Val1878Ala. To our knowledge, this variant has not been reported in the literature or in a large population database, indicating this variant is rare. At this time, the clinical significance of this variant is uncertain due to the absence of conclusive functional and genetic evidence.